The following is an entry in ClinVar:

ClinVar aggregate classification (germline): Likely benign (0 of 4 stars; one submission).

Conditions:
CELSR1-related disorder. Also called: CELSR1-related condition.

Allele frequency attached by ClinVar (database versions not stated): gnomAD exomes 0.00016; 1000 Genomes Project 30x 0.00094; gnomAD 0.00208.
gnomAD v4.1: 473 of 1,148,800 alleles (0.041%); highest among the groups gnomAD compares: African/African-American, 0.72%; 1 homozygote.

Submission:

PreventionGenetics, part of Exact Sciences
Classification: Likely benign for CELSR1-related condition. Last evaluated: 2020-04-29. Review status: no assertion criteria provided. Collection method: clinical testing. Allele origin: germline.
Comment: This variant is classified as likely benign based on ACMG/AMP sequence variant interpretation guidelines (Richards et al. 2015 PMID: 25741868, with internal and published modifications).

NM_001378328.1(CELSR1):c.211G>A (p.Gly71Arg)

Gene: CELSR1 (cadherin EGF LAG seven-pass G-type receptor 1; minus strand). Cytogenetic location: 22q13.31.
Variant type: single nucleotide variant.
Coding change: c.211G>A on transcript NM_001378328.1 (MANE Select); coding-DNA position 211, G replaced by A.
Protein change: p.Gly71Arg; replaces glycine 71 with arginine.
Molecular consequence: missense variant.
Genome position (GRCh38, 1-based): chr22:46,536,960, C>T on the plus strand (G>A on the coding strand, the complement: CELSR1 is on the minus strand). VCF-style: chr22-46536960-C-T. GRCh37 (hg19) VCF-style: chr22-46932857-C-T.
Other names: c.211G>A, p.Gly71Arg (NM_014246.4); short protein forms G71R.
Identifiers: ClinVar variation 3045194 (VCV003045194.2), dbSNP rs755185714, ClinGen allele CA10295683.
Genomic context (GRCh38, chr22:46,536,960, plus strand): 5'-GGACTTGCAGCGGCAGCGGGCGCCCCGCGCCCGAGACGCGCCGACGTCCTGCCAGCCGCC[C>T]ATCGCGGCCCACGTCCAGCAGCTCCCGCGGCGCCCGGGGCGTGCAAGCGGCGCCCACCGC-3'
Protein context (NP_001365257.1, residues 61-81): PRELLDVGRD[Gly71Arg]RLAGRRRVSG